The following is an entry in ClinVar:

ClinVar aggregate classification (germline): Uncertain significance (1 of 4 stars; one submission).

Submission:

Labcorp Genetics (formerly Invitae), Labcorp
Classification: Uncertain significance. Last evaluated: 2025-12-20. Review status: criteria provided, single submitter. Criteria: Invitae Variant Classification Sherloc (09022015). Collection method: clinical testing. Allele origin: germline.
Comment: This sequence change replaces valine, which is neutral and non-polar, with glycine, which is neutral and non-polar, at codon 396 of the CDH2 protein (p.Val396Gly). This variant is not present in population databases (gnomAD no frequency). This variant has not been reported in the literature in individuals affected with CDH2-related conditions. An algorithm developed to predict the effect of missense changes on protein structure and function (PolyPhen-2) suggests that this variant is likely to be disruptive. In summary, the available evidence is currently insufficient to determine the role of this variant in disease. Therefore, it has been classified as a Variant of Uncertain Significance.

NM_001792.5(CDH2):c.1187T>G (p.Val396Gly)

Gene: CDH2 (cadherin 2; minus strand). Cytogenetic location: 18q12.1.
Variant type: single nucleotide variant.
Coding change: c.1187T>G on transcript NM_001792.5 (MANE Select); coding-DNA position 1187, T replaced by G.
Protein change: p.Val396Gly; replaces valine 396 with glycine.
Molecular consequence: missense variant.
Genome position (GRCh38, 1-based): chr18:27,992,812, A>C on the plus strand (T>G on the coding strand, the complement: CDH2 is on the minus strand). VCF-style: chr18-27992812-A-C. GRCh37 (hg19) VCF-style: chr18-25572776-A-C.
Other names: c.1094T>G, p.Val365Gly (NM_001308176.2); short protein forms V396G, V365G.
Identifiers: ClinVar variation 4763695 (VCV004763695.1).
Genomic context (GRCh38, chr18:27,992,812, plus strand): 5'-CAGGCTGGTGTATGGGGTTGATCCTTATCGGTCACAGTTAGATTAGCTACTATGATGTCT[A>C]CCCTGTTCTCAGGAACTTCACCATAAAACTGCGAGAAAGACAAACCTCAGTCAGAGGAGG-3'
Protein context (NP_001783.2, residues 386-406): TFYGEVPENR[Val396Gly]DIIVANLTVT